The following is an entry in ClinVar:

ClinVar aggregate classification (germline): Uncertain significance (1 of 4 stars; one submission).

Submission:

Labcorp Genetics (formerly Invitae), Labcorp
Classification: Uncertain significance. Last evaluated: 2023-05-20. Review status: criteria provided, single submitter. Criteria: Invitae Variant Classification Sherloc (09022015). Collection method: clinical testing. Allele origin: germline.
Comment: This variant is present in population databases (no rsID available, gnomAD 0.006%). This sequence change replaces serine, which is neutral and polar, with proline, which is neutral and non-polar, at codon 45 of the FAM111A protein (p.Ser45Pro). This variant has not been reported in the literature in individuals affected with FAM111A-related conditions. An algorithm developed to predict the effect of missense changes on protein structure and function (PolyPhen-2) suggests that this variant is likely to be disruptive. In summary, the available evidence is currently insufficient to determine the role of this variant in disease. Therefore, it has been classified as a Variant of Uncertain Significance.

NM_001312909.2(FAM111A):c.133T>C (p.Ser45Pro)

Gene: FAM111A (FAM111 trypsin like peptidase A; plus strand). Cytogenetic location: 11q12.1.
Variant type: single nucleotide variant.
Coding change: c.133T>C on transcript NM_001312909.2 (MANE Select); coding-DNA position 133, T replaced by C.
Protein change: p.Ser45Pro; replaces serine 45 with proline.
Molecular consequence: missense variant.
Genome position (GRCh38, 1-based): chr11:59,151,801, T>C. VCF-style: chr11-59151801-T-C. GRCh37 (hg19) VCF-style: chr11-58919274-T-C.
Other names: c.133T>C, p.Ser45Pro (NM_001142519.3, NM_001142520.3, NM_001142521.3 and 29 more transcripts); short protein forms S45P.
Identifiers: ClinVar variation 3022625 (VCV003022625.3), dbSNP rs369963232, ClinGen allele CA380771087.